The following is an entry in ClinVar:

ClinVar aggregate classification (germline): Uncertain significance (1 of 4 stars; one submission).

Allele frequency attached by ClinVar (database versions not stated): gnomAD 0.00001; TOPMed 0.00001.

Submission:

Labcorp Genetics (formerly Invitae), Labcorp
Classification: Uncertain significance. Last evaluated: 2021-01-18. Review status: criteria provided, single submitter. Criteria: Invitae Variant Classification Sherloc (09022015). Collection method: clinical testing. Allele origin: germline.
Comment: This sequence change replaces proline with arginine at codon 168 of the CCDC8 protein (p.Pro168Arg). The proline residue is highly conserved and there is a moderate physicochemical difference between proline and arginine. This variant is not present in population databases (ExAC no frequency). This variant has not been reported in the literature in individuals with CCDC8-related conditions. Algorithms developed to predict the effect of missense changes on protein structure and function are either unavailable or do not agree on the potential impact of this missense change (SIFT: "Deleterious"; PolyPhen-2: "Possibly Damaging"; Align-GVGD: "Class C0"). In summary, the available evidence is currently insufficient to determine the role of this variant in disease. Therefore, it has been classified as a Variant of Uncertain Significance.

NM_032040.5(CCDC8):c.503C>G (p.Pro168Arg)

Gene: CCDC8 (coiled-coil domain containing 8 subunit of 3M complex; minus strand). Cytogenetic location: 19q13.32.
Variant type: single nucleotide variant.
Coding change: c.503C>G on transcript NM_032040.5 (MANE Select); coding-DNA position 503, C replaced by G.
Protein change: p.Pro168Arg; replaces proline 168 with arginine.
Molecular consequence: missense variant.
Genome position (GRCh38, 1-based): chr19:46,412,308, G>C on the plus strand (C>G on the coding strand, the complement: CCDC8 is on the minus strand). VCF-style: chr19-46412308-G-C. GRCh37 (hg19) VCF-style: chr19-46915565-G-C.
Other names: short protein forms P168R.
Identifiers: ClinVar variation 1365616 (VCV001365616.8), dbSNP rs543865490, ClinGen allele CA309064298.